The following is an entry in ClinVar:

ClinVar aggregate classification (germline): Uncertain significance (0 of 4 stars; one submission).

Conditions:
SALL4-Related Disorders. Also called: SALL4-related disorder; SALL4-related condition. Identifiers: MedGen CN381056.

Submission:

PreventionGenetics, part of Exact Sciences
Classification: Uncertain significance for SALL4-related condition. Last evaluated: 2023-10-31. Review status: no assertion criteria provided. Collection method: clinical testing. Allele origin: germline.
Comment: The SALL4 c.2477C>G variant is predicted to result in the amino acid substitution p.Pro826Arg. To our knowledge, this variant has not been reported in the literature or in a large population database, indicating this variant is rare. At this time, the clinical significance of this variant is uncertain due to the absence of conclusive functional and genetic evidence.

NM_020436.5(SALL4):c.2477C>G (p.Pro826Arg)

Gene: SALL4 (spalt like transcription factor 4; minus strand). Cytogenetic location: 20q13.2.
Variant type: single nucleotide variant.
Coding change: c.2477C>G on transcript NM_020436.5 (MANE Select); coding-DNA position 2477, C replaced by G.
Protein change: p.Pro826Arg; replaces proline 826 with arginine.
Molecular consequence: missense variant.
Genome position (GRCh38, 1-based): chr20:51,789,126, G>C on the plus strand (C>G on the coding strand, the complement: SALL4 is on the minus strand). VCF-style: chr20-51789126-G-C. GRCh37 (hg19) VCF-style: chr20-50405665-G-C.
Other names: c.1166C>G, p.Pro389Arg (NM_001318031.2); short protein forms P389R, P826R.
Identifiers: ClinVar variation 3030771 (VCV003030771.2), dbSNP rs2078015563, ClinGen allele CA409006991.